The following is an entry in ClinVar:

NM_006939.4(SOS2):c.1698A>T (p.Arg566Ser)

Gene: SOS2 (SOS Ras/Rho guanine nucleotide exchange factor 2; minus strand). Cytogenetic location: 14q21.3.
Variant type: single nucleotide variant.
Coding change: c.1698A>T on transcript NM_006939.4 (MANE Select); coding-DNA position 1698, A replaced by T.
Protein change: p.Arg566Ser; replaces arginine 566 with serine.
Molecular consequence: missense variant.
Genome position (GRCh38, 1-based): chr14:50,159,585, T>A on the plus strand (A>T on the coding strand, the complement: SOS2 is on the minus strand). VCF-style: chr14-50159585-T-A. GRCh37 (hg19) VCF-style: chr14-50626303-T-A.
Other names: c.1599A>T, p.Arg533Ser (NM_001411020.1); short protein forms R566S, R533S.
Identifiers: ClinVar variation 2154618 (VCV002154618.4), dbSNP rs767419669, ClinGen allele CA7177251.

ClinVar aggregate classification (germline): Uncertain significance (1 of 4 stars; one submission).

Conditions:
Noonan syndrome 9 (NS9). Identifiers: Orphanet 648, MedGen C4225282, MONDO:0014691, OMIM 616559.

Allele frequency attached by ClinVar (database versions not stated): TOPMed below 0.00001; ExAC 0.00001; gnomAD 0.00001; gnomAD exomes 0.00001.
gnomAD v4.1: 9 of 1,613,974 alleles (0.00056%); highest among the groups gnomAD compares: Admixed American, 0.0017%; no homozygotes.

Submission:

Labcorp Genetics (formerly Invitae), Labcorp
Classification: Uncertain significance for Noonan syndrome 9. Last evaluated: 2025-10-27. Review status: criteria provided, single submitter. Criteria: Invitae Variant Classification Sherloc (09022015). Collection method: clinical testing. Allele origin: germline.
Comment: This sequence change replaces arginine, which is basic and polar, with serine, which is neutral and polar, at codon 566 of the SOS2 protein (p.Arg566Ser). This variant is present in population databases (rs767419669, gnomAD 0.003%). This variant has not been reported in the literature in individuals affected with SOS2-related conditions. ClinVar contains an entry for this variant (Variation ID: 2154618). Invitae Evidence Modeling of protein sequence and biophysical properties (such as structural, functional, and spatial information, amino acid conservation, physicochemical variation, residue mobility, and thermodynamic stability) has been performed for this missense variant. However, the output from this modeling did not meet the statistical confidence thresholds required to predict the impact of this variant on SOS2 protein function. In summary, the available evidence is currently insufficient to determine the role of this variant in disease. Therefore, it has been classified as a Variant of Uncertain Significance.